The following is an entry in ClinVar:

NM_020461.4(TUBGCP6):c.1615_1616del (p.Trp539fs)

Gene: TUBGCP6 (tubulin gamma complex component 6; minus strand). Cytogenetic location: 22q13.33.
Variant type: Deletion.
Coding change: c.1615_1616del on transcript NM_020461.4 (MANE Select); coding-DNA positions 1615 to 1616, 2 bases deleted (TG; older notation c.1615_1616delTG).
Protein change: p.Trp539fs; shifts the reading frame from tryptophan 539.
Molecular consequence: frameshift variant.
Genome position (GRCh38, 1-based): chr22:50,226,364-50,226,365, CA deleted on the plus strand (TG on the coding strand, the reverse complement: TUBGCP6 is on the minus strand). VCF-style (leftmost placement, unchanged base first): chr22-50226363-CCA-C. GRCh37 (hg19) VCF-style: chr22-50664792-CCA-C.
Other names: short protein forms W539fs.
Identifiers: ClinVar variation 977849 (VCV000977849.8), dbSNP rs770253928, ClinGen allele CA10308578.
Genomic context (GRCh38, chr22:50,226,363, plus strand): 5'-CTCGTGGTTCACCTGAATCATGAACTCGCCATAAGCGTCTCTGAACACCCCGCTGTACAC[CCA>C]GTCGTGGATGAACCTGCAGTGGGGGAAAAGCAGGGGTAGATGTGGTCAACGGAGAGGTGG-3'

ClinVar aggregate classification (germline): Pathogenic. Review status: criteria provided, multiple submitters, no conflicts (2 of 4 stars). 3 submissions from 3 submitters: Pathogenic (2). 1 of the submissions does not count toward it. Last evaluated 2024-07-02.

Conditions:
Microcephaly and chorioretinopathy 1. Also called: Microcephaly and chorioretinopathy, autosomal recessive, 1. Identifiers: MedGen C3278481, MONDO:0009624, OMIM 251270.

Allele frequency attached by ClinVar (database versions not stated): gnomAD exomes 0.00001; TOPMed 0.00001; ExAC 0.00002; gnomAD 0.00003.

Submissions (3):

Labcorp Genetics (formerly Invitae), Labcorp
Classification: Pathogenic. Last evaluated: 2024-07-02. Review status: criteria provided, single submitter. Criteria: Invitae Variant Classification Sherloc (09022015). Collection method: clinical testing. Allele origin: germline.
Comment: This sequence change creates a premature translational stop signal (p.Trp539Glyfs*27) in the TUBGCP6 gene. It is expected to result in an absent or disrupted protein product. Loss-of-function variants in TUBGCP6 are known to be pathogenic (PMID: 25344692). This variant is present in population databases (rs770253928, gnomAD 0.01%). This variant has not been reported in the literature in individuals affected with TUBGCP6-related conditions. ClinVar contains an entry for this variant (Variation ID: 977849). For these reasons, this variant has been classified as Pathogenic.

Victorian Clinical Genetics Services, Murdoch Childrens Research Institute
Classification: Pathogenic for Microcephaly and chorioretinopathy 1. Last evaluated: 2022-09-02. Review status: criteria provided, single submitter. Criteria: ACMG Guidelines, 2015. Collection method: clinical testing. Allele origin: germline. Inheritance: Autosomal dominant inheritance. Affected: yes.
Comment: Based on the classification scheme VCGS_Germline_v1.3.4, this variant is classified as Pathogenic. Following criteria are met: 0102 - Loss of function is a known mechanism of disease in this gene and is associated with microcephaly and chorioretinopathy 1 (MIM#251270). (I) 0106 - This gene is associated with autosomal recessive disease. (I) 0201 - Variant is predicted to cause nonsense-mediated decay (NMD) and loss of protein (premature termination codon is located at least 54 nucleotides upstream of the final exon-exon junction). (SP) 0251 - This variant is heterozygous. (I) 0304 - Variant is present in gnomAD (v2) <0.01 for a recessive condition (7 heterozygotes, 0 homozygotes). (SP) 0701 - Other NMD-predicted variants comparable to the one identified in this case have very strong previous evidence for pathogenicity. These variants have been reported many times as pathogenic (DECIPHER). (SP) 0803 - This variant has limited previous evidence of pathogenicity in an unrelated individual. This variant has been reported as likely pathogenic (ClinVar). (SP) 0905 - No published segregation evidence has been identified for this variant. (I) 1007 - No published functional evidence has been identified for this variant. (I) 1207 - Parental origin of the variant is unresolved (by duo analysis). This variant was not maternally inherited. (I) Legend: (SP) - Supporting pathogenic, (I) - Information, (SB) - Supporting benign

Service de Génétique Moléculaire, Hôpital Robert Debré
Classification: Likely pathogenic for Microcephaly and chorioretinopathy 1. Review status: no assertion criteria provided. Collection method: clinical testing. Allele origin: unknown. Affected: yes. Not counted in ClinVar's aggregate classification.

Literature cited by the submitters: PubMed 25344692 (cited by Labcorp Genetics (formerly Invitae), Labcorp).